The following is an entry in ClinVar:

NM_002474.3(MYH11):c.4517A>G (p.Asn1506Ser)

Genes: MYH11 (myosin heavy chain 11; minus strand), NDE1 (nudE neurodevelopment protein 1; plus strand). Cytogenetic location: 16p13.11.
Variant type: single nucleotide variant.
Coding change: c.4517A>G on transcript NM_002474.3 (MANE Select); coding-DNA position 4517, A replaced by G.
Protein change: p.Asn1506Ser; replaces asparagine 1506 with serine.
Molecular consequence: missense variant. On other transcripts: intron variant (2).
Genome position (GRCh38, 1-based): chr16:15,721,483, T>C on the plus strand (A>G on the coding strand, the complement: MYH11 is on the minus strand). VCF-style: chr16-15721483-T-C. GRCh37 (hg19) VCF-style: chr16-15815340-T-C.
Other names: c.4538A>G, p.Asn1513Ser (NM_001040113.2, NM_001040114.2); c.4517A>G, p.Asn1506Ser (NM_022844.3); c.948-2708T>C (NM_001143979.2, NM_017668.3); short protein forms N1513S, N1506S.
Identifiers: ClinVar variation 405479 (VCV000405479.12), dbSNP rs1060500727, ClinGen allele CA16614581.
Genomic context (GRCh38, chr16:15,721,483, plus strand): 5'-TTCTTGCCCACGTCATCCTTGGAGCTGACCAGGTCTTCCATTTCGGCTTTGAGCATTTTG[T>C]TGGTCCGCTCGAGTTCCTCTTTGGCTTCCAAGGCCTCTTCAAGGGCCCGAGCCAGGGACA-3'
Protein context (NP_002465.1, residues 1496-1516): LEAKEELERT[Asn1506Ser]KMLKAEMEDL

ClinVar aggregate classification (germline): Uncertain significance. Review status: criteria provided, multiple submitters, no conflicts (2 of 4 stars). 5 submissions from 5 submitters: Uncertain significance (5). Last evaluated 2024-08-06.

Conditions:
Familial thoracic aortic aneurysm and aortic dissection (TAAD). Also called: Thoracic aortic aneurysms and dissections. Identifiers: Orphanet 91387, MedGen C4707243, MONDO:0019625.
Aortic aneurysm, familial thoracic 4 (AAT4). Also called: AORTIC ANEURYSM/AORTIC DISSECTION AND PATENT DUCTUS ARTERIOSUS. Identifiers: MedGen C1851504, MONDO:0007568, OMIM 132900.

Allele frequency attached by ClinVar (database versions not stated): gnomAD exomes below 0.00001.
gnomAD v4.1: 5 of 1,614,206 alleles (0.00031%); highest among the groups gnomAD compares: Middle Eastern, 0.033%; no homozygotes.

Submissions (5):

All of Us Research Program, National Institutes of Health
Classification: Uncertain significance for Familial thoracic aortic aneurysm and aortic dissection. Last evaluated: 2024-08-06. Review status: criteria provided, single submitter. Criteria: ACMG Guidelines, 2015. Collection method: clinical testing. Allele origin: germline. Inheritance: Autosomal dominant inheritance. Observed: 3 variant alleles, 3 heterozygotes.
Comment: This missense variant replaces asparagine with serine at codon 1513 of the MYH11 protein. Computational prediction tool is inconclusive regarding the impact of this variant on protein structure and function (internally defined REVEL score threshold 0.5 < inconclusive < 0.7, PMID: 27666373). Splice site prediction tools suggest that this variant may not impact RNA splicing. To our knowledge, functional studies have not been performed for this variant. This variant has not been reported in individuals affected with cardiovascular disorders in the literature. This variant has not been identified in the general population by the Genome Aggregation Database (gnomAD). The available evidence is insufficient to determine the role of this variant in disease conclusively. Therefore, this variant is classified as a Variant of Uncertain Significance.

This study involves interpretation of variants in research participants for the purpose of population health screening. Participant phenotype was not available at the time of variant classification. Additional details can be found in publication PMID: 35346344, PMCID: PMC8962531

Color Diagnostics, LLC DBA Color Health
Classification: Uncertain significance for Familial thoracic aortic aneurysm and aortic dissection. Last evaluated: 2024-03-06. Review status: criteria provided, single submitter. Criteria: ACMG Guidelines, 2015. Collection method: clinical testing. Allele origin: germline.
Comment: This missense variant replaces asparagine with serine at codon 1513 of the MYH11 protein. Computational prediction is inconclusive regarding the impact of this variant on protein structure and function (internally defined REVEL score threshold 0.5 < inconclusive < 0.7, PMID: 27666373). To our knowledge, functional studies have not been reported for this variant. This variant has not been reported in individuals affected with MYH11-related disorders in the literature. This variant has not been identified in the general population by the Genome Aggregation Database (gnomAD). The available evidence is insufficient to determine the role of this variant in disease conclusively. Therefore, this variant is classified as a Variant of Uncertain Significance.

Ambry Genetics
Classification: Uncertain significance for Familial thoracic aortic aneurysm and aortic dissection. Last evaluated: 2022-04-19. Review status: criteria provided, single submitter. Criteria: Ambry Variant Classification Scheme 2023. Collection method: clinical testing. Allele origin: germline.
Comment: The p.N1506S variant (also known as c.4517A>G), located in coding exon 31 of the MYH11 gene, results from an A to G substitution at nucleotide position 4517. The asparagine at codon 1506 is replaced by serine, an amino acid with highly similar properties. This amino acid position is conserved. In addition, this alteration is predicted to be tolerated by in silico analysis. Since supporting evidence is limited at this time, the clinical significance of this alteration remains unclear.

Blueprint Genetics
Classification: Uncertain significance. Last evaluated: 2021-12-14. Review status: criteria provided, single submitter. Criteria: ACMG Guidelines, 2015. Collection method: clinical testing. Allele origin: germline.

Labcorp Genetics (formerly Invitae), Labcorp
Classification: Uncertain significance for Aortic aneurysm, familial thoracic 4. Last evaluated: 2021-09-01. Review status: criteria provided, single submitter. Criteria: Invitae Variant Classification Sherloc (09022015). Collection method: clinical testing. Allele origin: germline.
Comment: This sequence change replaces asparagine with serine at codon 1513 of the MYH11 protein (p.Asn1513Ser). The asparagine residue is highly conserved and there is a small physicochemical difference between asparagine and serine. This variant is not present in population databases (ExAC no frequency). This variant has not been reported in the literature in individuals affected with MYH11-related conditions. Algorithms developed to predict the effect of missense changes on protein structure and function are either unavailable or do not agree on the potential impact of this missense change (SIFT: "Deleterious"; PolyPhen-2: "Benign"; Align-GVGD: "Class C0"). In summary, the available evidence is currently insufficient to determine the role of this variant in disease. Therefore, it has been classified as a Variant of Uncertain Significance.